The following is an entry in ClinVar:

ClinVar aggregate classification (germline): Conflicting classifications of pathogenicity. Review status: criteria provided, conflicting classifications (1 of 4 stars). 6 submissions from 6 submitters: Uncertain significance (4); Likely benign (2). Last evaluated 2025-06-09.

Conditions:
Familial thoracic aortic aneurysm and aortic dissection (TAAD). Also called: Thoracic aortic aneurysms and dissections. Identifiers: Orphanet 91387, MedGen C4707243, MONDO:0019625.
Congenital contractural arachnodactyly (CCA). Also called: Beals-Hecht syndrome; Arthrogryposis, distal, type 9; BEALS SYNDROME. Identifiers: Orphanet 115, MedGen C0220668, MONDO:0007363, OMIM 121050.
Ehlers-Danlos syndrome (EDS). Identifiers: Orphanet 98249, MedGen C0013720, MONDO:0020066.

Allele frequency attached by ClinVar (database versions not stated): TOPMed 0.00002; gnomAD exomes 0.00010 and 0.00006; ExAC 0.00014; gnomAD 0.00006.
gnomAD v4.1: 97 of 1,613,720 alleles (0.006%); highest among the groups gnomAD compares: Non-Finnish European, 0.007%; no homozygotes.

Submissions (6):

Labcorp Genetics (formerly Invitae), Labcorp
Classification: Likely benign for Congenital contractural arachnodactyly. Last evaluated: 2025-06-09. Review status: criteria provided, single submitter. Criteria: Invitae Variant Classification Sherloc (09022015). Collection method: clinical testing. Allele origin: germline.

Blueprint Genetics
Classification: Likely benign. Last evaluated: 2024-10-31. Review status: criteria provided, single submitter. Criteria: ACMG Guidelines, 2015. Collection method: clinical testing. Allele origin: germline.

GeneDx
Classification: Uncertain significance. Last evaluated: 2024-09-24. Review status: criteria provided, single submitter. Criteria: GeneDx Variant Classification Process June 2021. Collection method: clinical testing. Allele origin: germline. Affected: yes.
Comment: Has not been previously published as pathogenic or benign to our knowledge; In silico analysis supports that this missense variant has a deleterious effect on protein structure/function

Ambry Genetics
Classification: Uncertain significance for Familial thoracic aortic aneurysm and aortic dissection. Last evaluated: 2024-08-21. Review status: criteria provided, single submitter. Criteria: Ambry Variant Classification Scheme 2023. Collection method: clinical testing. Allele origin: germline.
Comment: The p.N268S variant (also known as c.803A>G), located in coding exon 6 of the FBN2 gene, results from an A to G substitution at nucleotide position 803. The asparagine at codon 268 is replaced by serine, an amino acid with highly similar properties. This amino acid position is highly conserved in available vertebrate species. In addition, the in silico prediction for this alteration is inconclusive. Since supporting evidence is limited at this time, the clinical significance of this alteration remains unclear.

Genome Diagnostics Laboratory, The Hospital for Sick Children
Classification: Uncertain significance for Ehlers-Danlos syndrome. Last evaluated: 2019-08-01. Review status: criteria provided, single submitter. Criteria: ACMG Guidelines, 2015. Collection method: clinical testing. Allele origin: germline.

CeGaT Center for Human Genetics Tuebingen
Classification: Uncertain significance. Last evaluated: 2016-09-01. Review status: criteria provided, single submitter. Criteria: CeGaT Center For Human Genetics Tuebingen Variant Classification Criteria Version 2. Collection method: clinical testing. Allele origin: germline. Affected: yes. Observed: 1 variant allele.

NM_001999.4(FBN2):c.803A>G (p.Asn268Ser)

Gene: FBN2 (fibrillin 2; minus strand). Cytogenetic location: 5q23.3.
Variant type: single nucleotide variant.
Coding change: c.803A>G on transcript NM_001999.4 (MANE Select); coding-DNA position 803, A replaced by G.
Protein change: p.Asn268Ser; replaces asparagine 268 with serine.
Molecular consequence: missense variant.
Genome position (GRCh38, 1-based): chr5:128,464,747, T>C on the plus strand (A>G on the coding strand, the complement: FBN2 is on the minus strand). VCF-style: chr5-128464747-T-C. GRCh37 (hg19) VCF-style: chr5-127800440-T-C.
Other names: short protein forms N268S.
Identifiers: ClinVar variation 425354 (VCV000425354.58), dbSNP rs760817242, ClinGen allele CA3396004.